The following is an entry in ClinVar:

ClinVar aggregate classification (germline): Uncertain significance. Review status: criteria provided, multiple submitters, no conflicts (2 of 4 stars). 2 submissions from 2 submitters: Uncertain significance (2). Last evaluated 2025-09-03.

gnomAD v4.1: 5 of 1,613,992 alleles (0.00031%); highest among the groups gnomAD compares: Non-Finnish European, 0.00042%; no homozygotes.

Submissions (2):

Labcorp Genetics (formerly Invitae), Labcorp
Classification: Uncertain significance. Last evaluated: 2025-09-03. Review status: criteria provided, single submitter. Criteria: Invitae Variant Classification Sherloc (09022015). Collection method: clinical testing. Allele origin: germline.
Comment: This sequence change replaces lysine, which is basic and polar, with glutamic acid, which is acidic and polar, at codon 225 of the DNAJC17 protein (p.Lys225Glu). This variant is not present in population databases (gnomAD no frequency). This variant has not been reported in the literature in individuals affected with DNAJC17-related conditions. ClinVar contains an entry for this variant (Variation ID: 2188850). An algorithm developed to predict the effect of missense changes on protein structure and function (PolyPhen-2) suggests that this variant is likely to be tolerated. In summary, the available evidence is currently insufficient to determine the role of this variant in disease. Therefore, it has been classified as a Variant of Uncertain Significance.

Ambry Genetics
Classification: Uncertain significance. Last evaluated: 2024-08-28. Review status: criteria provided, single submitter. Criteria: Ambry Variant Classification Scheme 2023. Collection method: clinical testing. Allele origin: germline.

NM_018163.3(DNAJC17):c.673A>G (p.Lys225Glu)

Gene: DNAJC17 (DnaJ heat shock protein family (Hsp40) member C17; minus strand). Cytogenetic location: 15q15.1.
Variant type: single nucleotide variant.
Coding change: c.673A>G on transcript NM_018163.3 (MANE Select); coding-DNA position 673, A replaced by G.
Protein change: p.Lys225Glu; replaces lysine 225 with glutamic acid.
Molecular consequence: missense variant.
Genome position (GRCh38, 1-based): chr15:40,774,364, T>C on the plus strand (A>G on the coding strand, the complement: DNAJC17 is on the minus strand). VCF-style: chr15-40774364-T-C. GRCh37 (hg19) VCF-style: chr15-41066562-T-C.
Other names: c.673A>G (NM_018163.2); short protein forms K225E.
Identifiers: ClinVar variation 2188850 (VCV002188850.5), dbSNP rs1889255391, ClinGen allele CA391762391.
Genomic context (GRCh38, chr15:40,774,364, plus strand): 5'-GCCCTAGAATGACAGGGCCACGAGGGGCCCCCAAGCCTCATGCAGCACTCACCGCTGCCT[T>C]GACGGTTGCAAACTCCACCACAGCAGTGCCTGGCTTCTTACTGGAAAGCACCAGGTTGAG-3'
Protein context (NP_060633.1, residues 215-235): GTAVVEFATV[Lys225Glu]AAELAVQNEV